The following is an entry in ClinVar:

NM_001127222.2(CACNA1A):c.3797T>C (p.Val1266Ala)

Gene: CACNA1A (calcium voltage-gated channel subunit alpha1 A; minus strand). Cytogenetic location: 19p13.13.
Variant type: single nucleotide variant.
Coding change: c.3797T>C on transcript NM_001127222.2 (MANE Select); coding-DNA position 3797, T replaced by C.
Protein change: p.Val1266Ala; replaces valine 1266 with alanine.
Molecular consequence: missense variant.
Genome position (GRCh38, 1-based): chr19:13,283,292, A>G on the plus strand (T>C on the coding strand, the complement: CACNA1A is on the minus strand). VCF-style: chr19-13283292-A-G. GRCh37 (hg19) VCF-style: chr19-13394106-A-G.
Other names: c.3809T>C, p.Val1270Ala (NM_000068.4, NM_023035.3); c.3800T>C, p.Val1267Ala (NM_001127221.2, NM_001174080.2); short protein forms V1266A, V1267A, V1270A.
Identifiers: ClinVar variation 1329837 (VCV001329837.2), dbSNP rs2144871393, ClinGen allele CA404340574.

ClinVar aggregate classification (germline): Uncertain significance (1 of 4 stars; one submission).

Submission:

GeneDx
Classification: Uncertain significance. Last evaluated: 2021-06-25. Review status: criteria provided, single submitter. Criteria: GeneDx Variant Classification Process June 2021. Collection method: clinical testing. Allele origin: germline. Affected: yes.
Comment: Has not been previously published as pathogenic or benign to our knowledge; Not observed at significant frequency in large population cohorts (Lek et al., 2016); In silico analysis supports that this missense variant has a deleterious effect on protein structure/function; This variant is associated with the following publications: (PMID: 27535533)